The following is an entry in ClinVar:

NM_001372.4(DNAH9):c.6041T>C (p.Ile2014Thr)

Gene: DNAH9 (dynein axonemal heavy chain 9; plus strand). Cytogenetic location: 17p12.
Variant type: single nucleotide variant.
Coding change: c.6041T>C on transcript NM_001372.4 (MANE Select); coding-DNA position 6041, T replaced by C.
Protein change: p.Ile2014Thr; replaces isoleucine 2014 with threonine.
Molecular consequence: missense variant.
Genome position (GRCh38, 1-based): chr17:11,742,243, T>C. VCF-style: chr17-11742243-T-C. GRCh37 (hg19) VCF-style: chr17-11645560-T-C.
Other names: short protein forms I2014T.
Identifiers: ClinVar variation 2415288 (VCV002415288.3), dbSNP rs751263153, ClinGen allele CA8396190.

ClinVar aggregate classification (germline): Uncertain significance (1 of 4 stars; one submission).

Allele frequency attached by ClinVar (database versions not stated): TOPMed below 0.00001; gnomAD 0.00001; gnomAD exomes 0.00004; ExAC 0.00007.
gnomAD v4.1: 58 of 1,614,122 alleles (0.0036%); highest among the groups gnomAD compares: South Asian, 0.055%; 1 homozygote.

Submission:

Labcorp Genetics (formerly Invitae), Labcorp
Classification: Uncertain significance. Last evaluated: 2022-07-27. Review status: criteria provided, single submitter. Criteria: Invitae Variant Classification Sherloc (09022015). Collection method: clinical testing. Allele origin: germline.
Comment: This sequence change replaces isoleucine, which is neutral and non-polar, with threonine, which is neutral and polar, at codon 2014 of the DNAH9 protein (p.Ile2014Thr). This variant is present in population databases (rs751263153, gnomAD 0.06%). This variant has not been reported in the literature in individuals affected with DNAH9-related conditions. Algorithms developed to predict the effect of missense changes on protein structure and function (SIFT, PolyPhen-2, Align-GVGD) all suggest that this variant is likely to be tolerated. In summary, the available evidence is currently insufficient to determine the role of this variant in disease. Therefore, it has been classified as a Variant of Uncertain Significance.